The following is an entry in ClinVar:

NM_001039.4(SCNN1G):c.1432-7G>A

Gene: SCNN1G (sodium channel epithelial 1 subunit gamma; plus strand). Cytogenetic location: 16p12.2.
Variant type: single nucleotide variant.
Coding change: c.1432-7G>A on transcript NM_001039.4 (MANE Select); 7 bases into the intron before coding-DNA position 1432, G replaced by A.
Molecular consequence: intron variant.
Genome position (GRCh38, 1-based): chr16:23,213,095, G>A. VCF-style: chr16-23213095-G-A. GRCh37 (hg19) VCF-style: chr16-23224416-G-A.
Other names: p.?.
Identifiers: ClinVar variation 165175 (VCV000165175.29), dbSNP rs13306653, ClinGen allele CA177892.

ClinVar aggregate classification (germline): Benign/Likely benign. Review status: criteria provided, multiple submitters, no conflicts (2 of 4 stars). 15 submissions from 12 submitters: Benign (12); Likely benign (1). 2 of the submissions do not count toward it. Last evaluated 2026-02-04.

Conditions:
Liddle syndrome 2. Identifiers: MedGen C4748251, MONDO:0020854, OMIM 618114.
Bronchiectasis with or without elevated sweat chloride 3 (BESC3). Identifiers: Orphanet 60033, MedGen C2751324, MONDO:0013112, OMIM 613071.
Pseudohypoaldosteronism, type IB1, autosomal recessive. Also called: Pseudohypoaldosteronism, Type I, Autosomal Recessive; Pseudohypoaldosteronism, Type I, Recessive; PHA I, AUTOSOMAL RECESSIVE; Autosomal recessive pseudohypoaldosteronism type 1. Identifiers: Orphanet 171876, Orphanet 756, MedGen C5774176, MONDO:0009917, OMIM 264350.

Allele frequency attached by ClinVar (database versions not stated): 1000 Genomes Project 30x 0.15506; 1000 Genomes Project 0.15535; gnomAD exomes 0.17514 and 0.20461; ExAC 0.17817; TOPMed 0.20675; gnomAD 0.21170 and 0.21894; ESP Exome Variant Server 0.23318.
gnomAD v4.1: 330,710 of 1,610,694 alleles (21%); highest among the groups gnomAD compares: African/African-American, 25%; 36,039 homozygotes.

Submissions (15):

Labcorp Genetics (formerly Invitae), Labcorp
Classification: Benign. Last evaluated: 2026-02-04. Review status: criteria provided, single submitter. Criteria: Invitae Variant Classification Sherloc (09022015). Collection method: clinical testing. Allele origin: germline.

Blueprint Genetics
Classification: Likely benign. Last evaluated: 2024-11-27. Review status: criteria provided, single submitter. Criteria: ACMG Guidelines, 2015. Collection method: clinical testing. Allele origin: germline.

Mayo Clinic Laboratories, Mayo Clinic
Classification: Benign. Last evaluated: 2022-03-09. Review status: criteria provided, single submitter. Criteria: ACMG Guidelines, 2015. Collection method: clinical testing. Allele origin: germline. Observed: 63 variant alleles.

Genome-Nilou Lab
Classification: Benign for Bronchiectasis with or without elevated sweat chloride 3. Last evaluated: 2021-07-15. Review status: criteria provided, single submitter. Criteria: ACMG Guidelines, 2015. Collection method: clinical testing. Allele origin: germline. Affected: no.

Genome-Nilou Lab
Classification: Benign for Liddle syndrome 2. Last evaluated: 2021-07-15. Review status: criteria provided, single submitter. Criteria: ACMG Guidelines, 2015. Collection method: clinical testing. Allele origin: germline. Affected: no.

Genome-Nilou Lab
Classification: Benign for Pseudohypoaldosteronism, type IB1, autosomal recessive. Last evaluated: 2021-07-15. Review status: criteria provided, single submitter. Criteria: ACMG Guidelines, 2015. Collection method: clinical testing. Allele origin: germline. Affected: no.

GeneDx
Classification: Benign. Last evaluated: 2019-11-22. Review status: criteria provided, single submitter. Criteria: GeneDx Variant Classification Process June 2021. Collection method: clinical testing. Allele origin: germline. Affected: yes.

Illumina Laboratory Services, Illumina
Classification: Benign for Pseudohypoaldosteronism, type IB1, autosomal recessive. Last evaluated: 2018-01-13. Review status: criteria provided, single submitter. Criteria: ICSL Variant Classification Criteria 13 December 2019. Collection method: clinical testing. Allele origin: germline.
Comment: This variant was observed in the ICSL laboratory as part of a predisposition screen in an ostensibly healthy population. It had not been previously curated by ICSL or reported in the Human Gene Mutation Database (HGMD: prior to June 1st, 2018), and was therefore a candidate for classification through an automated scoring system. Utilizing variant allele frequency, disease prevalence and penetrance estimates, and inheritance mode, an automated score was calculated to assess if this variant is too frequent to cause the disease. Based on the score and internal cut-off values, a variant classified as benign is not then subjected to further curation. The score for this variant resulted in a classification of benign for this disease.

Illumina Laboratory Services, Illumina
Classification: Benign for Liddle syndrome 2. Last evaluated: 2018-01-13. Review status: criteria provided, single submitter. Criteria: ICSL Variant Classification Criteria 13 December 2019. Collection method: clinical testing. Allele origin: germline.
Comment: the same text as in the submission from Illumina Laboratory Services, Illumina above.

Athena Diagnostics
Classification: Benign. Last evaluated: 2017-07-24. Review status: criteria provided, single submitter. Criteria: Athena Diagnostics Criteria. Collection method: clinical testing. Allele origin: germline.

Laboratory for Molecular Medicine, Mass General Brigham Personalized Medicine
Classification: Benign. Last evaluated: 2013-02-21. Review status: criteria provided, single submitter. Criteria: LMM Criteria. Collection method: clinical testing. Allele origin: germline. Observed: 35 variant alleles.
Comment: 1432-7G>A in intron 10 of SCNN1G: This variant is not expected to have clinical significance because it has been identified in 25.1% (1104/4394) of African Amer ican chromosomes from a broad population by the NHLBI Exome Sequencing Project (dbSNP rs13306653).

Breakthrough Genomics
Classification: Benign. Review status: criteria provided, single submitter. Criteria: ACMG Guidelines, 2015. Collection method: not provided. Allele origin: germline. Inheritance: Autosomal dominant inheritance. Affected: yes.

PreventionGenetics, part of Exact Sciences
Classification: Benign. Review status: criteria provided, single submitter. Criteria: ACMG Guidelines, 2015. Collection method: clinical testing. Allele origin: germline.

Diagnostic Laboratory, Department of Genetics, University Medical Center Groningen
Classification: Benign. Review status: no assertion criteria provided. Collection method: clinical testing. Allele origin: germline. Affected: yes. Study: VKGL Data-share Consensus. Not counted in ClinVar's aggregate classification.

Joint Genome Diagnostic Labs from Nijmegen and Maastricht, Radboudumc and MUMC+
Classification: Benign. Review status: no assertion criteria provided. Collection method: clinical testing. Allele origin: germline. Affected: yes. Study: VKGL Data-share Consensus. Not counted in ClinVar's aggregate classification.